The following is an entry in ClinVar:

NM_145038.5(DRC1):c.503del (p.Leu167_Leu168insTer)

Gene: DRC1 (dynein regulatory complex subunit 1; plus strand). Cytogenetic location: 2p23.3.
Variant type: Deletion.
Coding change: c.503del on transcript NM_145038.5 (MANE Select); coding-DNA position 503, one base deleted (T; older notation c.503delT).
Protein change: p.Leu167_Leu168insTer.
Molecular consequence: nonsense.
Genome position (GRCh38, 1-based): chr2:26,424,417, T deleted; the last of 2 consecutive T bases (chr2:26,424,416-26,424,417); deleting either gives the same sequence. VCF-style (leftmost placement, unchanged base first): chr2-26424415-CT-C. GRCh37 (hg19) VCF-style: chr2-26647283-CT-C.
Identifiers: ClinVar variation 4820312 (VCV004820312.1).

ClinVar aggregate classification (germline): Pathogenic (1 of 4 stars; one submission).

Conditions:
Primary ciliary dyskinesia 21. Also called: CILIARY DYSKINESIA, PRIMARY, 21, WITHOUT SITUS INVERSUS. Identifiers: Orphanet 244, MedGen C3809087, MONDO:0014123, OMIM 615294.

Submission:

Department of Human Genetics, University Hospital Bern, Inselspital
Classification: Pathogenic for Primary ciliary dyskinesia 21. Last evaluated: 2026-03-16. Review status: criteria provided, single submitter. Criteria: ACMG Guidelines, 2015. Collection method: clinical testing. Allele origin: unknown. Inheritance: Autosomal recessive inheritance. Affected: yes. Observed: 1 variant allele, 1 homozygote.
Comment: Pathogenic variants in the DRC1 gene are associated with primary ciliary dyskinesia and infertility, following an autosomal recessive inheritance pattern (Primary Ciliary Dyskinesia, GeneReviews 2025; OMIM 615294). The majority of previously described pathogenic variants in DRC1 are truncating variants or deletions (ClinVar, HGMD Professional, PMID: 39349394). The reported nonsense variant is classified as pathogenic according to ACMG criteria. It introduces a premature stop codon, which is highly likely to result in nonsense-mediated mRNA decay and degradation of the corresponding mRNA. This variant is listed in the gnomAD v4.1 population database with a frequency of 0.000062% and, to our knowledge, has not been previously reported in association with any genetic disorder.

Literature cited by the submitters: PubMed 39349394.